The following is an entry in ClinVar:

ClinVar aggregate classification (germline): Conflicting classifications of pathogenicity. Review status: criteria provided, conflicting classifications (1 of 4 stars). 2 submissions from 2 submitters: Uncertain significance (1); Benign (1). Last evaluated 2026-05-27.

Allele frequency attached by ClinVar (database versions not stated): gnomAD exomes 0.00002; ExAC 0.00001; TOPMed 0.00005; gnomAD 0.00004.

Submissions (2):

Women's Health and Genetics/Laboratory Corporation of America, LabCorp
Classification: Uncertain significance. Last evaluated: 2026-05-27. Review status: criteria provided, single submitter. Criteria: LabCorp Variant Classification Summary - May 2015. Collection method: clinical testing. Allele origin: germline.
Comment: Variant summary: DVL3 c.443G>A (p.Arg148Gln) results in a conservative amino acid change in the encoded protein sequence. Algorithms developed to predict the effect of missense changes on protein structure and function are either unavailable or do not agree on the potential impact of this missense change. The variant allele was found at a frequency of 1.9e-05 in 206130 control chromosomes. The available data on variant occurrences in the general population are insufficient to allow any conclusion about variant significance. c.443G>A has been observed in individual(s) affected with DVL3-related conditions. These report(s) do not provide unequivocal conclusions about association of the variant with disease. To our knowledge, no experimental evidence demonstrating an impact on protein function has been reported. The following publication have been ascertained in the context of this evaluation (PMID: 29573971). ClinVar contains an entry for this variant (Variation ID: 1425502). Based on the evidence outlined above, the variant was classified as uncertain significance.

Labcorp Genetics (formerly Invitae), Labcorp
Classification: Benign. Last evaluated: 2024-01-11. Review status: criteria provided, single submitter. Criteria: Invitae Variant Classification Sherloc (09022015). Collection method: clinical testing. Allele origin: germline.

Literature cited by the submitters: PubMed 29573971 (cited by Women's Health and Genetics/Laboratory Corporation of America, LabCorp).

NM_004423.4(DVL3):c.443G>A (p.Arg148Gln)

Gene: DVL3 (dishevelled segment polarity protein 3; plus strand). Cytogenetic location: 3q27.1.
Variant type: single nucleotide variant.
Coding change: c.443G>A on transcript NM_004423.4 (MANE Select); coding-DNA position 443, G replaced by A.
Protein change: p.Arg148Gln; replaces arginine 148 with glutamine.
Molecular consequence: missense variant.
Genome position (GRCh38, 1-based): chr3:184,164,581, G>A. VCF-style: chr3-184164581-G-A. GRCh37 (hg19) VCF-style: chr3-183882369-G-A.
Other names: short protein forms R148Q.
Identifiers: ClinVar variation 1425502 (VCV001425502.7), dbSNP rs764021343, ClinGen allele CA2727085.
Genomic context (GRCh38, chr3:184,164,581, plus strand): 5'-ACCTGGACAATGACACAGAGACGGACTCTTTGGTGTCTGCCCAGCGAGAGCGGCCACGCC[G>A]GAGGGATGGCCCAGAGCATGGTATATCTTCCTGAACACGGACACTGTCCGCACCTCACAC-3'
Protein context (NP_004414.3, residues 138-158): LVSAQRERPR[Arg148Gln]RDGPEHATRL